The following is an entry in ClinVar:

ClinVar aggregate classification (germline): Uncertain significance. Review status: criteria provided, multiple submitters, no conflicts (2 of 4 stars). 3 submissions from 3 submitters: Uncertain significance (3). Last evaluated 2026-01-21.

Conditions:
Autosomal recessive limb-girdle muscular dystrophy type 2Q (LGMDR17). Also called: MUSCULAR DYSTROPHY, LIMB-GIRDLE, AUTOSOMAL RECESSIVE 17. Identifiers: Orphanet 254361, MedGen C3150989, MONDO:0013390, OMIM 613723.
Epidermolysis bullosa simplex 5B, with muscular dystrophy (EBS5B). Also called: EPIDERMOLYSIS BULLOSA SIMPLEX AND LIMB-GIRDLE MUSCULAR DYSTROPHY; Epidermolysis bullosa simplex with muscular dystrophy. Identifiers: Orphanet 257, MedGen C2931072, MONDO:0009181, OMIM 226670.
Epidermolysis bullosa simplex, Ogna type (EBS5A). Also called: EPIDERMOLYSIS BULLOSA SIMPLEX 5A, OGNA TYPE; Pidermolysis bullosa simplex 5A, Ogna type. Identifiers: Orphanet 79401, MedGen C0432317, MONDO:0007555, OMIM 131950.
Epidermolysis bullosa simplex 5C, with pyloric atresia (EBS5C). Also called: PLEC-Related Epidermolysis Bullosa with Pyloric Atresia; Epidermolysis bullosa simplex with pyloric atresia; PLEC1-Related Epidermolysis Bullosa with Pyloric Atresia. Identifiers: Orphanet 158684, MedGen C2677349, MONDO:0012807, OMIM 612138.
Epidermolysis bullosa simplex with nail dystrophy (EBS5D). Identifiers: MedGen C4225309, MONDO:0014661, OMIM 616487.

Allele frequency attached by ClinVar (database versions not stated): ExAC 0.00003; gnomAD exomes 0.00003 and 0.00004; gnomAD 0.00005 and 0.00007; TOPMed 0.00006.
gnomAD v4.1: 50 of 1,612,224 alleles (0.0031%); highest among the groups gnomAD compares: African/African-American, 0.02%; no homozygotes.

Submissions (3):

Labcorp Genetics (formerly Invitae), Labcorp
Classification: Uncertain significance for Autosomal recessive limb-girdle muscular dystrophy type 2Q; Epidermolysis bullosa simplex, Ogna type; Epidermolysis bullosa simplex with nail dystrophy; Epidermolysis bullosa simplex 5C, with pyloric atresia; Epidermolysis bullosa simplex 5B, with muscular dystrophy. Last evaluated: 2026-01-21. Review status: criteria provided, single submitter. Criteria: Invitae Variant Classification Sherloc (09022015). Collection method: clinical testing. Allele origin: germline.
Comment: This sequence change replaces arginine, which is basic and polar, with tryptophan, which is neutral and slightly polar, at codon 2773 of the PLEC protein (p.Arg2773Trp). This variant is present in population databases (rs782075235, gnomAD 0.02%). This variant has not been reported in the literature in individuals affected with PLEC-related conditions. ClinVar contains an entry for this variant (Variation ID: 196842). Invitae Evidence Modeling of protein sequence and biophysical properties (such as structural, functional, and spatial information, amino acid conservation, physicochemical variation, residue mobility, and thermodynamic stability) has been performed for this missense variant. However, the output from this modeling did not meet the statistical confidence thresholds required to predict the impact of this variant on PLEC protein function. In summary, the available evidence is currently insufficient to determine the role of this variant in disease. Therefore, it has been classified as a Variant of Uncertain Significance.

Revvity Omics, Revvity
Classification: Uncertain significance. Last evaluated: 2020-07-07. Review status: criteria provided, single submitter. Criteria: ACMG Guidelines, 2015. Collection method: clinical testing. Allele origin: germline.

Eurofins Ntd Llc (ga)
Classification: Uncertain significance. Last evaluated: 2015-02-27. Review status: criteria provided, single submitter. Criteria: EGL Classification Definitions 2015. Collection method: clinical testing. Allele origin: germline. Observed: 3 variant alleles, 3 heterozygotes.

NM_201384.3(PLEC):c.8236C>T (p.Arg2746Trp)

Gene: PLEC (plectin; minus strand). Cytogenetic location: 8q24.3.
Variant type: single nucleotide variant.
Coding change: c.8236C>T on transcript NM_201384.3 (MANE Select); coding-DNA position 8236, C replaced by T.
Protein change: p.Arg2746Trp; replaces arginine 2746 with tryptophan.
Molecular consequence: missense variant.
Genome position (GRCh38, 1-based): chr8:143,921,585, G>A on the plus strand (C>T on the coding strand, the complement: PLEC is on the minus strand). VCF-style: chr8-143921585-G-A. GRCh37 (hg19) VCF-style: chr8-144995753-G-A.
Other names: c.8317C>T, p.Arg2773Trp (NM_000445.5); c.8194C>T, p.Arg2732Trp (NM_201378.4); c.8170C>T, p.Arg2724Trp (NM_201379.3); c.8647C>T, p.Arg2883Trp (NM_201380.4); c.8140C>T, p.Arg2714Trp (NM_201381.3); c.8236C>T, p.Arg2746Trp (NM_201382.4); c.8248C>T, p.Arg2750Trp (NM_201383.3); short protein forms R2714W, R2724W, R2732W, R2746W, R2750W, R2773W, R2883W.
Identifiers: ClinVar variation 196842 (VCV000196842.12), dbSNP rs782075235, ClinGen allele CA244478.